The following is an entry in ClinVar:

ClinVar aggregate classification (germline): Benign/Likely benign. Review status: criteria provided, multiple submitters, no conflicts (2 of 4 stars). 5 submissions from 5 submitters: Benign (1); Likely benign (4). Last evaluated 2025-07-22.

Conditions:
Hereditary cancer-predisposing syndrome. Also called: Tumor predisposition; Neoplastic Syndromes, Hereditary; Hereditary neoplastic syndrome; Hereditary Cancer Syndrome. Identifiers: Orphanet 140162, MedGen C0027672, MeSH D009386, MONDO:0015356.
Familial adenomatous polyposis 1 (FAP1). Also called: FAMILIAL ADENOMATOUS POLYPOSIS 1, ATTENUATED; POLYPOSIS, ADENOMATOUS INTESTINAL. Identifiers: MedGen C2713442, MONDO:0021056, OMIM 175100. Disease mechanism: loss of function.

Allele frequency attached by ClinVar (database versions not stated): gnomAD exomes below 0.00001 and 0.00001; gnomAD 0.00001; TOPMed 0.00001.
gnomAD v4.1: 10 of 1,613,094 alleles (0.00062%); highest among the groups gnomAD compares: Middle Eastern, 0.016%; no homozygotes.

Submissions (5):

Labcorp Genetics (formerly Invitae), Labcorp
Classification: Likely benign for Familial adenomatous polyposis 1. Last evaluated: 2025-07-22. Review status: criteria provided, single submitter. Criteria: Invitae Variant Classification Sherloc (09022015). Collection method: clinical testing. Allele origin: germline.

Myriad Genetics, Inc.
Classification: Benign for Familial adenomatous polyposis 1. Last evaluated: 2024-02-23. Review status: criteria provided, single submitter. Criteria: Myriad Autosomal Dominant, Autosomal Recessive and X-Linked Classification Criteria (2023). Collection method: clinical testing. Allele origin: unknown.
Comment: This variant is considered benign. This variant is a silent/synonymous amino acid change and it is not expected to impact splicing.

Women's Health and Genetics/Laboratory Corporation of America, LabCorp
Classification: Likely benign. Last evaluated: 2019-08-20. Review status: criteria provided, single submitter. Criteria: LabCorp Variant Classification Summary - May 2015. Collection method: clinical testing. Allele origin: germline.

Color Diagnostics, LLC DBA Color Health
Classification: Likely benign for Hereditary cancer-predisposing syndrome. Last evaluated: 2017-08-09. Review status: criteria provided, single submitter. Criteria: ACMG Guidelines, 2015. Collection method: clinical testing. Allele origin: germline.

Ambry Genetics
Classification: Likely benign for Hereditary cancer-predisposing syndrome. Last evaluated: 2017-01-30. Review status: criteria provided, single submitter. Criteria: Ambry Variant Classification Scheme 2023. Collection method: clinical testing. Allele origin: germline.

NM_000038.6(APC):c.565T>C (p.Leu189=)

Gene: APC (APC regulator of Wnt signaling pathway; plus strand). Cytogenetic location: 5q22.2.
Variant type: single nucleotide variant.
Coding change: c.565T>C on transcript NM_000038.6 (MANE Select); coding-DNA position 565, T replaced by C.
Protein change: p.Leu189=; no amino-acid change (leucine 189 retained).
Molecular consequence: synonymous variant. On other transcripts: 5 prime UTR variant (1).
Genome position (GRCh38, 1-based): chr5:112,780,823, T>C. VCF-style: chr5-112780823-T-C. GRCh37 (hg19) VCF-style: chr5-112116520-T-C.
Other names: c.565T>C, p.Leu189= (NM_001127510.3, NM_001354895.2, NM_001354896.2 and 2 more transcripts); c.595T>C, p.Leu199= (NM_001127511.3, NM_001354897.2, NM_001354902.2); c.490T>C, p.Leu164= (NM_001354898.2, NM_001354904.2); c.388T>C, p.Leu130= (NM_001354900.2, NM_001354901.2, NM_001354905.2); c.-471T>C (NM_001354906.2).
Identifiers: ClinVar variation 416766 (VCV000416766.20), dbSNP rs762146761, ClinGen allele CA16611642.